The following is an entry in ClinVar:

ClinVar aggregate classification (germline): Uncertain significance (1 of 4 stars; one submission).

Conditions:
Autosomal dominant limb-girdle muscular dystrophy type 1D (DNAJB6) (LGMDD1). Also called: MUSCULAR DYSTROPHY, AUTOSOMAL DOMINANT, WITH RIMMED VACUOLES; MUSCULAR DYSTROPHY, LIMB-GIRDLE, TYPE 1D; Autosomal dominant limb-girdle muscular dystrophy type 1D; Muscular dystrophy, limb-girdle, autosomal dominant 1. Identifiers: Orphanet 34516, MedGen C4721885, MONDO:0021018, OMIM 603511.

Allele frequency attached by ClinVar (database versions not stated): gnomAD exomes below 0.00001; ExAC 0.00001.
gnomAD v4.1: 1 of 1,612,584 alleles (0.000062%); highest among the groups gnomAD compares: South Asian, 0.0011%; no homozygotes.

Submission:

Labcorp Genetics (formerly Invitae), Labcorp
Classification: Uncertain significance for Autosomal dominant limb-girdle muscular dystrophy type 1D (DNAJB6). Last evaluated: 2025-04-23. Review status: criteria provided, single submitter. Criteria: Invitae Variant Classification Sherloc (09022015). Collection method: clinical testing. Allele origin: germline.
Comment: This sequence change replaces isoleucine, which is neutral and non-polar, with valine, which is neutral and non-polar, at codon 19 of the DNAJB6 protein (p.Ile19Val). This variant is present in population databases (rs774874052, gnomAD 0.0009%). This variant has not been reported in the literature in individuals affected with DNAJB6-related conditions. This missense change has been observed in at least one individual who was not affected with DNAJB6-related conditions (internal data). ClinVar contains an entry for this variant (Variation ID: 1912265). Invitae Evidence Modeling of protein sequence and biophysical properties (such as structural, functional, and spatial information, amino acid conservation, physicochemical variation, residue mobility, and thermodynamic stability) has been performed for this missense variant. However, the output from this modeling did not meet the statistical confidence thresholds required to predict the impact of this variant on DNAJB6 protein function. In summary, the available evidence is currently insufficient to determine the role of this variant in disease. Therefore, it has been classified as a Variant of Uncertain Significance.

NM_058246.4(DNAJB6):c.55A>G (p.Ile19Val)

Gene: DNAJB6 (DnaJ heat shock protein family (Hsp40) member B6; plus strand). Cytogenetic location: 7q36.3.
Variant type: single nucleotide variant.
Coding change: c.55A>G on transcript NM_058246.4 (MANE Select); coding-DNA position 55, A replaced by G.
Protein change: p.Ile19Val; replaces isoleucine 19 with valine.
Molecular consequence: missense variant.
Genome position (GRCh38, 1-based): chr7:157,358,627, A>G. VCF-style: chr7-157358627-A-G. GRCh37 (hg19) VCF-style: chr7-157151321-A-G.
Other names: c.55A>G, p.Ile19Val (NM_001363676.1, NM_005494.3); short protein forms I19V.
Identifiers: ClinVar variation 1912265 (VCV001912265.5), dbSNP rs774874052, ClinGen allele CA4590326.
Genomic context (GRCh38, chr7:157,358,627, plus strand): 5'-TAAAACATGGTGGATTACTATGAAGTTCTAGGCGTGCAGAGACATGCCTCACCCGAGGAT[A>G]TTAAAAAGGCGTAAGTAGTTTTATTTCTGTGGTAATGCATTTTCACAGTGGTACATTGGT-3'
Protein context (NP_490647.1, residues 9-29): GVQRHASPED[Ile19Val]KKAYRKLALK